The following is an entry in ClinVar:

NM_000452.3(SLC10A2):c.116C>A (p.Thr39Asn)

Gene: SLC10A2 (solute carrier family 10 member 2; minus strand). Cytogenetic location: 13q33.1.
Variant type: single nucleotide variant.
Coding change: c.116C>A on transcript NM_000452.3 (MANE Select); coding-DNA position 116, C replaced by A.
Protein change: p.Thr39Asn; replaces threonine 39 with asparagine.
Molecular consequence: missense variant.
Genome position (GRCh38, 1-based): chr13:103,066,134, G>T on the plus strand (C>A on the coding strand, the complement: SLC10A2 is on the minus strand). VCF-style: chr13-103066134-G-T. GRCh37 (hg19) VCF-style: chr13-103718484-G-T.
Other names: short protein forms T39N.
Identifiers: ClinVar variation 2220045 (VCV002220045.5), dbSNP rs2501427712, ClinGen allele CA388609463.

ClinVar aggregate classification (germline): Uncertain significance. Review status: criteria provided, multiple submitters, no conflicts (2 of 4 stars). 2 submissions from 2 submitters: Uncertain significance (2). Last evaluated 2023-02-15.

gnomAD v4.1: 2 of 1,614,028 alleles (0.00012%); highest among the groups gnomAD compares: Middle Eastern, 0.017%; no homozygotes.

Submissions (2):

Labcorp Genetics (formerly Invitae), Labcorp
Classification: Uncertain significance. Last evaluated: 2023-02-15. Review status: criteria provided, single submitter. Criteria: Invitae Variant Classification Sherloc (09022015). Collection method: clinical testing. Allele origin: germline.
Comment: This variant has not been reported in the literature in individuals affected with SLC10A2-related conditions. This variant is not present in population databases (gnomAD no frequency). This sequence change replaces threonine, which is neutral and polar, with asparagine, which is neutral and polar, at codon 39 of the SLC10A2 protein (p.Thr39Asn). Advanced modeling of protein sequence and biophysical properties (such as structural, functional, and spatial information, amino acid conservation, physicochemical variation, residue mobility, and thermodynamic stability) performed at Invitae indicates that this missense variant is not expected to disrupt SLC10A2 protein function. In summary, the available evidence is currently insufficient to determine the role of this variant in disease. Therefore, it has been classified as a Variant of Uncertain Significance.

Ambry Genetics
Classification: Uncertain significance. Last evaluated: 2022-09-22. Review status: criteria provided, single submitter. Criteria: Ambry Variant Classification Scheme 2023. Collection method: clinical testing. Allele origin: germline.